The following is an entry in ClinVar:

NM_000540.3(RYR1):c.7561G>T (p.Val2521Leu)

Gene: RYR1 (ryanodine receptor 1; plus strand). Cytogenetic location: 19q13.2.
Variant type: single nucleotide variant.
Coding change: c.7561G>T on transcript NM_000540.3 (MANE Select); coding-DNA position 7561, G replaced by T.
Protein change: p.Val2521Leu; replaces valine 2521 with leucine.
Molecular consequence: missense variant.
Genome position (GRCh38, 1-based): chr19:38,500,937, G>T. VCF-style: chr19-38500937-G-T. GRCh37 (hg19) VCF-style: chr19-38991577-G-T.
Other names: c.7561G>T, p.Val2521Leu (NM_001042723.2); short protein forms V2521L.
Identifiers: ClinVar variation 3640936 (VCV003640936.2).
Genomic context (GRCh38, chr19:38,500,937, plus strand): 5'-TCCATGGTGCTCTTCCTGGACCGTGTGTATGGCATCGAGAACCAGGACTTCTTGCTGCAC[G>T]TGCTGGACGTGGGGTTCCTGCCCGACATGAGGGCAGCCGCCTCGCTGGACACGGTGAGCA-3'
Protein context (NP_000531.2, residues 2511-2531): GIENQDFLLH[Val2521Leu]LDVGFLPDMR

ClinVar aggregate classification (germline): Uncertain significance (1 of 4 stars; one submission).

Conditions:
RYR1-related disorder. Also called: RYR1-related condition; RYR1-related disorders. Identifiers: MedGen CN239331.

Submission:

Labcorp Genetics (formerly Invitae), Labcorp
Classification: Uncertain significance for RYR1-related disorder. Last evaluated: 2024-04-02. Review status: criteria provided, single submitter. Criteria: Invitae Variant Classification Sherloc (09022015). Collection method: clinical testing. Allele origin: germline.
Comment: This sequence change replaces valine, which is neutral and non-polar, with leucine, which is neutral and non-polar, at codon 2521 of the RYR1 protein (p.Val2521Leu). This variant is not present in population databases (gnomAD no frequency). This variant has not been reported in the literature in individuals affected with RYR1-related conditions. Advanced modeling of protein sequence and biophysical properties (such as structural, functional, and spatial information, amino acid conservation, physicochemical variation, residue mobility, and thermodynamic stability) performed at Invitae indicates that this missense variant is not expected to disrupt RYR1 protein function with a negative predictive value of 95%. In summary, the available evidence is currently insufficient to determine the role of this variant in disease. Therefore, it has been classified as a Variant of Uncertain Significance.